The following is an entry in ClinVar:

NM_017636.4(TRPM4):c.3190C>G (p.Arg1064Gly)

Gene: TRPM4 (transient receptor potential cation channel subfamily M member 4; plus strand). Cytogenetic location: 19q13.33.
Variant type: single nucleotide variant.
Coding change: c.3190C>G on transcript NM_017636.4 (MANE Select); coding-DNA position 3190, C replaced by G.
Protein change: p.Arg1064Gly; replaces arginine 1064 with glycine.
Molecular consequence: missense variant.
Genome position (GRCh38, 1-based): chr19:49,210,267, C>G. VCF-style: chr19-49210267-C-G. GRCh37 (hg19) VCF-style: chr19-49713524-C-G.
Other names: c.3190C>G (NM_017636.3); c.2755C>G, p.Arg919Gly (NM_001195227.2); c.2845C>G, p.Arg949Gly (NM_001321281.2); c.1582C>G, p.Arg528Gly (NM_001321282.2); c.2668C>G, p.Arg890Gly (NM_001321283.2); c.2128C>G, p.Arg710Gly (NM_001321285.2); short protein forms R1064G, R919G, R949G, R528G, R890G, R710G.
Identifiers: ClinVar variation 1482974 (VCV001482974.9), dbSNP rs755441077, ClinGen allele CA309420126.

ClinVar aggregate classification (germline): Uncertain significance. Review status: criteria provided, multiple submitters, no conflicts (2 of 4 stars). 2 submissions from 2 submitters: Uncertain significance (2). Last evaluated 2024-11-02.

Conditions:
Progressive familial heart block type IB (PFHB1B). Identifiers: Orphanet 871, MedGen C1970298, MONDO:0011474, OMIM 604559.
Cardiovascular phenotype. Identifiers: MedGen CN230736.

Submissions (2):

Ambry Genetics
Classification: Uncertain significance for Cardiovascular phenotype. Last evaluated: 2024-11-02. Review status: criteria provided, single submitter. Criteria: Ambry Variant Classification Scheme 2023. Collection method: clinical testing. Allele origin: germline.
Comment: The p.R1064G variant (also known as c.3190C>G), located in coding exon 21 of the TRPM4 gene, results from a C to G substitution at nucleotide position 3190. The arginine at codon 1064 is replaced by glycine, an amino acid with dissimilar properties. This amino acid position is conserved. In addition, this alteration is predicted to be tolerated by in silico analysis. Based on the available evidence, the clinical significance of this variant remains unclear.

Labcorp Genetics (formerly Invitae), Labcorp
Classification: Uncertain significance for Progressive familial heart block type IB. Last evaluated: 2024-01-22. Review status: criteria provided, single submitter. Criteria: Invitae Variant Classification Sherloc (09022015). Collection method: clinical testing. Allele origin: germline.
Comment: This sequence change replaces arginine, which is basic and polar, with glycine, which is neutral and non-polar, at codon 1064 of the TRPM4 protein (p.Arg1064Gly). This variant is not present in population databases (gnomAD no frequency). This variant has not been reported in the literature in individuals affected with TRPM4-related conditions. ClinVar contains an entry for this variant (Variation ID: 1482974). Algorithms developed to predict the effect of missense changes on protein structure and function output the following: SIFT: "Not Available"; PolyPhen-2: "Benign"; Align-GVGD: "Not Available". The glycine amino acid residue is found in multiple mammalian species, which suggests that this missense change does not adversely affect protein function. In summary, the available evidence is currently insufficient to determine the role of this variant in disease. Therefore, it has been classified as a Variant of Uncertain Significance.